The following is an entry in ClinVar:

ClinVar aggregate classification (germline): Likely pathogenic (1 of 4 stars; one submission).

Submission:

Mayo Clinic Laboratories, Mayo Clinic
Classification: Likely pathogenic. Last evaluated: 2023-03-15. Review status: criteria provided, single submitter. Criteria: ACMG Guidelines, 2015. Collection method: clinical testing. Allele origin: germline. Observed: 1 variant allele.
Comment: PM2, PVS1

NM_005619.5(RTN2):c.1154del (p.Leu385fs)

Genes: OPA3-RTN2 (OPA3-RTN2 readthrough; minus strand), RTN2 (reticulon 2; minus strand). Cytogenetic location: 19q13.32.
Variant type: Deletion.
Coding change: c.1154del on transcript NM_005619.5 (MANE Select); coding-DNA position 1154, one base deleted (T; older notation c.1154delT).
Protein change: p.Leu385fs; shifts the reading frame from leucine 385.
Molecular consequence: frameshift variant.
Genome position (GRCh38, 1-based): chr19:45,489,433, A deleted on the plus strand (T on the coding strand, the reverse complement: RTN2 is on the minus strand). VCF-style (leftmost placement, unchanged base first): chr19-45489432-CA-C. GRCh37 (hg19) VCF-style: chr19-45992690-CA-C.
Other names: p.Leu385Argfs*39; c.935del, p.Leu312fs (NM_206900.3); c.134del, p.Leu45fs (NM_206901.3); short protein forms L312fs, L385fs, L45fs.
Identifiers: ClinVar variation 2683111 (VCV002683111.1), dbSNP rs2513733818, ClinGen allele CA2697556635.